The following is an entry in ClinVar:

NM_000551.4(VHL):c.392A>G (p.Asn131Ser)

Genes: VHL (von Hippel-Lindau tumor suppressor; plus strand), LOC107303340 (3p25 von Hippel-Lindau tumor suppressor, E3 ubiquitin protein ligase Alu-mediated recombination region; plus strand). Cytogenetic location: 3p25.3.
Variant type: single nucleotide variant.
Coding change: c.392A>G on transcript NM_000551.4 (MANE Select); coding-DNA position 392, A replaced by G.
Protein change: p.Asn131Ser; replaces asparagine 131 with serine.
Molecular consequence: missense variant. On other transcripts: intron variant (2).
Genome position (GRCh38, 1-based): chr3:10,146,565, A>G. VCF-style: chr3-10146565-A-G. GRCh37 (hg19) VCF-style: chr3-10188249-A-G.
Other names: c.*18-3222A>G (NM_001354723.2); c.341-3222A>G (NM_198156.3); short protein forms N131S.
Identifiers: ClinVar variation 496062 (VCV000496062.10), dbSNP rs1553619963, ClinGen allele CA351753941.

ClinVar aggregate classification (germline): Pathogenic/Likely pathogenic. Review status: criteria provided, multiple submitters, no conflicts (2 of 4 stars). 3 submissions from 3 submitters: Pathogenic (1); Likely pathogenic (2). Last evaluated 2026-10-19.

Conditions:
Von Hippel-Lindau syndrome (VHLS). Also called: von Hippel–Lindau syndrome; VHL syndrome; Von Hippel-Lindau. Identifiers: Orphanet 892, MedGen C0019562, MONDO:0008667, OMIM 193300. Disease mechanism: loss of function.
Chuvash polycythemia. Also called: POLYCYTHEMIA, VHL-DEPENDENT. Identifiers: Orphanet 238557, MedGen C1837915, MONDO:0009892, OMIM 263400.

Submissions (3):

GeneDx
Classification: Likely pathogenic. Last evaluated: 2026-10-19. Review status: criteria provided, single submitter. Criteria: GeneDx Variant Classification Process June 2021. Collection method: clinical testing. Allele origin: germline.
Comment: In silico analysis supports that this missense variant has a deleterious effect on protein structure/function; Not observed at significant frequency in large population cohorts (gnomAD); Also known as c.605A>G, p.N202S, p.N172S; This variant is associated with the following publications: (PMID: 10761708, 19309509, 27527340, 17001110, 36905328, 24969085)

Labcorp Genetics (formerly Invitae), Labcorp
Classification: Pathogenic for Von Hippel-Lindau syndrome; Chuvash polycythemia. Last evaluated: 2024-12-19. Review status: criteria provided, single submitter. Criteria: Invitae Variant Classification Sherloc (09022015). Collection method: clinical testing. Allele origin: germline.
Comment: This sequence change replaces asparagine, which is neutral and polar, with serine, which is neutral and polar, at codon 131 of the VHL protein (p.Asn131Ser). This variant is not present in population databases (gnomAD no frequency). This missense change has been observed in individuals with von Hippel-Lindau syndrome (PMID: 17001110; internal data). ClinVar contains an entry for this variant (Variation ID: 496062). Invitae Evidence Modeling of protein sequence and biophysical properties (such as structural, functional, and spatial information, amino acid conservation, physicochemical variation, residue mobility, and thermodynamic stability) indicates that this missense variant is expected to disrupt VHL protein function with a positive predictive value of 95%. This variant disrupts the p.Asn131 amino acid residue in VHL. Other variant(s) that disrupt this residue have been observed in individuals with VHL-related conditions (PMID: 17001110, 21384277; internal data), which suggests that this may be a clinically significant amino acid residue. For these reasons, this variant has been classified as Pathogenic.

Women's Health and Genetics/Laboratory Corporation of America, LabCorp
Classification: Likely pathogenic for Von Hippel-Lindau syndrome. Last evaluated: 2016-02-09. Review status: criteria provided, single submitter. Criteria: LabCorp Variant Classification Summary - May 2015. Collection method: clinical testing. Allele origin: germline.
Comment: Variant summary: VHL c.392A>G variant affects a conserved nucleotide, resulting in an amino acid change from Asn to Ser at codon 131 in beta domain of the protein. 2/4 in-silico tools predict this variant to be damaging. Other mutations including missense mutations at residue 131 (such as N131T, N131K, N131Y, N131X, N131fsX3, etc.) have been reported in patients affected with VHL disease, suggesting that the codon 131 is likely to be a hot-spot for mutation. This variant has been reported in two Japanese VHL families (Yoshida_2000, Imanaka_2006); two affected brothers were shown to carry the variant in one family suggesting the cosegregation of the variant in the family. The variant was not found in approximately 121412 control chromosomes from the large and diverse ExAC cohorts. Taken together, this variant is currently classified as a Probable Disease Variant (or Likely Pathogenic).

Literature cited by the submitters: PubMed 17001110 (cited by Labcorp Genetics (formerly Invitae), Labcorp and Women's Health and Genetics/Laboratory Corporation of America, LabCorp); PubMed 21384277 (cited by Labcorp Genetics (formerly Invitae), Labcorp); PubMed 19309509 (cited by Women's Health and Genetics/Laboratory Corporation of America, LabCorp); PubMed 10761708 (cited by Women's Health and Genetics/Laboratory Corporation of America, LabCorp).